The following is an entry in ClinVar:

NM_000617.3(SLC11A2):c.990+3G>A

Gene: SLC11A2 (solute carrier family 11 member 2; minus strand). Cytogenetic location: 12q13.12.
Variant type: single nucleotide variant.
Coding change: c.990+3G>A on transcript NM_000617.3 (MANE Select); 3 bases into the intron after coding-DNA position 990, G replaced by A.
Molecular consequence: intron variant.
Genome position (GRCh38, 1-based): chr12:50,995,626, C>T on the plus strand (G>A on the coding strand, the complement: SLC11A2 is on the minus strand). VCF-style: chr12-50995626-C-T. GRCh37 (hg19) VCF-style: chr12-51389409-C-T.
Other names: c.1077+3G>A (NM_001379446.1, NM_001379455.1, NM_001174125.2); c.879+3G>A (NM_001414747.1, NM_001414748.1); c.990+3G>A (NM_001174127.2, NM_001414744.1, NM_001174126.2 and 5 more transcripts); c.978+3G>A (NM_001379448.1, NM_001174130.2); c.753+3G>A (NM_001414749.1, NM_001414750.1).
Identifiers: ClinVar variation 2077939 (VCV002077939.5), dbSNP rs376046838, ClinGen allele CA6566616.

ClinVar aggregate classification (germline): Uncertain significance (1 of 4 stars; one submission).

Allele frequency attached by ClinVar (database versions not stated): TOPMed 0.00027; gnomAD exomes 0.00003; ExAC 0.00012; ESP Exome Variant Server 0.00038; gnomAD 0.00025.
gnomAD v4.1: 77 of 1,614,110 alleles (0.0048%); highest among the groups gnomAD compares: African/African-American, 0.08%; no homozygotes.

Submissions (3):

Labcorp Genetics (formerly Invitae), Labcorp
Classification: Uncertain significance. Last evaluated: 2022-05-18. Review status: criteria provided, single submitter. Criteria: Invitae Variant Classification Sherloc (09022015). Collection method: clinical testing. Allele origin: germline.
Comment: This variant is present in population databases (rs376046838, gnomAD 0.1%). This variant has not been reported in the literature in individuals affected with SLC11A2-related conditions. Variants that disrupt the consensus splice site are a relatively common cause of aberrant splicing (PMID: 17576681, 9536098). Algorithms developed to predict the effect of sequence changes on RNA splicing suggest that this variant may disrupt the consensus splice site. In summary, the available evidence is currently insufficient to determine the role of this variant in disease. Therefore, it has been classified as a Variant of Uncertain Significance. This sequence change falls in intron 10 of the SLC11A2 gene. It does not directly change the encoded amino acid sequence of the SLC11A2 protein. It affects a nucleotide within the consensus splice site.

Dr. Peter K. Rogan Lab, Western University
No classification provided (evidence only). Condition: Uterine corpus endometrial carcinoma. Review status: no classification provided. Collection method: in vitro. Allele origin: not applicable. Functional consequence: retained intron. Not counted in ClinVar's aggregate classification.

Dr. Peter K. Rogan Lab, Western University
No classification provided (evidence only). Condition: Uterine corpus endometrial carcinoma. Review status: no classification provided. Collection method: in vitro. Allele origin: not applicable. Functional consequence: retained intron. Not counted in ClinVar's aggregate classification.

Literature cited by the submitters: PubMed 17576681 (cited by Labcorp Genetics (formerly Invitae), Labcorp); PubMed 9536098 (cited by Labcorp Genetics (formerly Invitae), Labcorp).